The following is an entry in ClinVar:

NM_002087.4(GRN):c.1708A>G (p.Thr570Ala)

Gene: GRN (granulin precursor; plus strand). Cytogenetic location: 17q21.31.
Variant type: single nucleotide variant.
Coding change: c.1708A>G on transcript NM_002087.4 (MANE Select); coding-DNA position 1708, A replaced by G.
Protein change: p.Thr570Ala; replaces threonine 570 with alanine.
Molecular consequence: missense variant.
Genome position (GRCh38, 1-based): chr17:44,352,724, A>G. VCF-style: chr17-44352724-A-G. GRCh37 (hg19) VCF-style: chr17-42430092-A-G.
Other names: short protein forms T570A.
Identifiers: ClinVar variation 2934562 (VCV002934562.3), dbSNP rs2510058656, ClinGen allele CA399770981.

ClinVar aggregate classification (germline): Uncertain significance (1 of 4 stars; one submission).

Conditions:
GRN-related frontotemporal lobar degeneration with Tdp43 inclusions (FTD2). Also called: DEMENTIA, HEREDITARY DYSPHASIC DISINHIBITION; FRONTOTEMPORAL LOBAR DEGENERATION WITH UBIQUITIN-POSITIVE INCLUSIONS; FTLD-TDP, GRN-RELATED; GRN Frontotemporal Dementia; FRONTOTEMPORAL DEMENTIA WITH TDP43 INCLUSIONS, GRN-RELATED. Identifiers: Orphanet 100070, Orphanet 282, MedGen C1843792, MONDO:0011842, OMIM 607485. Disease mechanism: loss of function.
Neuronal ceroid lipofuscinosis 11. Also called: GRN-Related Neuronal Ceroid-Lipofuscinosis. Identifiers: Orphanet 314629, Orphanet 79262, MedGen C3539123, MONDO:0013866, OMIM 614706.

Submission:

Labcorp Genetics (formerly Invitae), Labcorp
Classification: Uncertain significance for Neuronal ceroid lipofuscinosis 11; GRN-related frontotemporal lobar degeneration with Tdp43 inclusions. Last evaluated: 2023-02-14. Review status: criteria provided, single submitter. Criteria: Invitae Variant Classification Sherloc (09022015). Collection method: clinical testing. Allele origin: germline.
Comment: This sequence change replaces threonine, which is neutral and polar, with alanine, which is neutral and non-polar, at codon 570 of the GRN protein (p.Thr570Ala). This variant is not present in population databases (gnomAD no frequency). This variant has not been reported in the literature in individuals affected with GRN-related conditions. Algorithms developed to predict the effect of missense changes on protein structure and function output the following: SIFT: "Tolerated"; PolyPhen-2: "Benign"; Align-GVGD: "Class C0". The alanine amino acid residue is found in multiple mammalian species, which suggests that this missense change does not adversely affect protein function. In summary, the available evidence is currently insufficient to determine the role of this variant in disease. Therefore, it has been classified as a Variant of Uncertain Significance.